The following is an entry in ClinVar:

NC_000017.11:g.(?_43091415)_(43125483_?)dup

Gene: BRCA1 (BRCA1 DNA repair associated; minus strand). Cytogenetic location: 17q21.31.
Variant type: Duplication.
Identifiers: ClinVar variation 831092 (VCV000831092.4).

ClinVar aggregate classification (germline): Uncertain significance (1 of 4 stars; one submission).

Conditions:
Hereditary breast ovarian cancer syndrome. Also called: Hereditary breast and/or ovarian cancer syndrome; Hereditary breast and ovarian cancer syndrome (HBOC); Breast and ovarian cancer; Hereditary breast and ovarian cancer; BRCA1- and BRCA2-Associated Hereditary Breast and Ovarian Cancer; Hereditary breast and ovarian cancer syndrome. Identifiers: Orphanet 145, MedGen C0677776, MeSH D061325, MONDO:0003582. Disease mechanism: loss of function.

Submission:

Labcorp Genetics (formerly Invitae), Labcorp
Classification: Uncertain significance for Hereditary breast ovarian cancer syndrome. Last evaluated: 2023-08-31. Review status: criteria provided, single submitter. Criteria: Invitae Variant Classification Sherloc (09022015). Collection method: clinical testing. Allele origin: germline.
Comment: In summary, the available evidence is currently insufficient to determine the role of this variant in disease. Therefore, it has been classified as a Variant of Uncertain Significance. This variant has not been reported in the literature in individuals affected with BRCA1-related conditions. This variant results in a copy number gain of the genomic region encompassing exon(s) 1-10 of the BRCA1 gene. This region includes the initiator codon of the gene. This copy number gain extends beyond the assayed region for this gene and therefore may encompass additional genes. As the precise location of this event is unknown, it may be in tandem or it may be located elsewhere in the genome.